The following is an entry in ClinVar:

NM_002335.4(LRP5):c.13C>G (p.Pro5Ala)

Gene: LRP5 (LDL receptor related protein 5; plus strand). Cytogenetic location: 11q13.2.
Variant type: single nucleotide variant.
Coding change: c.13C>G on transcript NM_002335.4 (MANE Select); coding-DNA position 13, C replaced by G.
Protein change: p.Pro5Ala; replaces proline 5 with alanine.
Molecular consequence: missense variant. On other transcripts: 5 prime UTR variant (1).
Genome position (GRCh38, 1-based): chr11:68,312,727, C>G. VCF-style: chr11-68312727-C-G. GRCh37 (hg19) VCF-style: chr11-68080195-C-G.
Other names: c.-1753C>G (NM_001291902.2); short protein forms P5A.
Identifiers: ClinVar variation 1999684 (VCV001999684.4), dbSNP rs2496190917, ClinGen allele CA381607248.

ClinVar aggregate classification (germline): Uncertain significance (1 of 4 stars; one submission).

Submission:

Labcorp Genetics (formerly Invitae), Labcorp
Classification: Uncertain significance. Last evaluated: 2022-05-27. Review status: criteria provided, single submitter. Criteria: Invitae Variant Classification Sherloc (09022015). Collection method: clinical testing. Allele origin: germline.
Comment: This variant has not been reported in the literature in individuals affected with LRP5-related conditions. This sequence change replaces proline, which is neutral and non-polar, with alanine, which is neutral and non-polar, at codon 5 of the LRP5 protein (p.Pro5Ala). The frequency data for this variant in the population databases is considered unreliable, as metrics indicate insufficient coverage at this position in the gnomAD database. Advanced modeling of protein sequence and biophysical properties (such as structural, functional, and spatial information, amino acid conservation, physicochemical variation, residue mobility, and thermodynamic stability) performed at Invitae indicates that this missense variant is not expected to disrupt LRP5 protein function. In summary, the available evidence is currently insufficient to determine the role of this variant in disease. Therefore, it has been classified as a Variant of Uncertain Significance.